The following is an entry in ClinVar:

NM_004815.4(ARHGAP29):c.2796+5G>C

Gene: ARHGAP29 (Rho GTPase activating protein 29; minus strand). Cytogenetic location: 1p22.1.
Variant type: single nucleotide variant.
Coding change: c.2796+5G>C on transcript NM_004815.4 (MANE Select); 5 bases into the intron after coding-DNA position 2796, G replaced by C.
Molecular consequence: intron variant.
Genome position (GRCh38, 1-based): chr1:94,177,847, C>G on the plus strand (G>C on the coding strand, the complement: ARHGAP29 is on the minus strand). VCF-style: chr1-94177847-C-G. GRCh37 (hg19) VCF-style: chr1-94643403-C-G.
Other names: c.2604+5G>C (NM_001328665.2, NM_001328667.2); c.2796+5G>C (NM_001328664.2); c.2769+5G>C (NM_001328666.2).
Identifiers: ClinVar variation 2632414 (VCV002632414.1), dbSNP rs2524202780, ClinGen allele CA2695198063.
Genomic context (GRCh38, chr1:94,177,847, plus strand): 5'-GATCTTTAACTTATTAACATAAATATTACAAAGTTCTAATATAATTCTATAAAGGTCAAA[C>G]TCACTTCCTTTGAAGAAAAAAATAGTGACTTCATGGAACGTTCAATGTCTCTTTCTTCTG-3'

ClinVar aggregate classification (germline): Uncertain significance (1 of 4 stars; one submission).

Conditions:
ARHGAP29-related disorder. Also called: ARHGAP29-Related Disorders; ARHGAP29-related condition.

Submission:

PreventionGenetics, part of Exact Sciences
Classification: Uncertain significance for ARHGAP29-related condition. Last evaluated: 2023-06-09. Review status: criteria provided, single submitter. Criteria: ACMG Guidelines, 2015. Collection method: clinical testing. Allele origin: germline.
Comment: The ARHGAP29 c.2796+5G>C variant is predicted to interfere with splicing. Based on available splicing prediction programs (Alamut Visual Plus v1.6.1) this variant is predicted to weaken the consensus splice donor site; however, to date this prediction has not been proven by functional studies. To our knowledge, this variant has not been reported in the literature or in a large population database, indicating this variant is rare. At this time, the clinical significance of this variant is uncertain due to the absence of conclusive functional and genetic evidence.